The following is an entry in ClinVar:

ClinVar aggregate classification (germline): Uncertain significance (1 of 4 stars; one submission).

Conditions:
Hereditary cancer-predisposing syndrome. Also called: Neoplastic Syndromes, Hereditary; Tumor predisposition; Hereditary neoplastic syndrome; Hereditary Cancer Syndrome. Identifiers: Orphanet 140162, MedGen C0027672, MeSH D009386, MONDO:0015356.

Submission:

Ambry Genetics
Classification: Uncertain significance for Hereditary cancer-predisposing syndrome. Last evaluated: 2026-07-06. Review status: criteria provided, single submitter. Criteria: Ambry Variant Classification Scheme 2023. Collection method: clinical testing. Allele origin: germline.
Comment: The p.G609C variant (also known as c.1825G>T), located in coding exon 9 of the MEN1 gene, results from a G to T substitution at nucleotide position 1825. The glycine at codon 609 is replaced by cysteine, an amino acid with highly dissimilar properties. This amino acid position is conserved. In addition, the in silico prediction for this alteration is inconclusive. Based on the available evidence, the clinical significance of this variant remains unclear.

NM_001370259.2(MEN1):c.1825G>T (p.Gly609Cys)

Gene: MEN1 (menin 1; minus strand). Cytogenetic location: 11q13.1.
Variant type: single nucleotide variant.
Coding change: c.1825G>T on transcript NM_001370259.2 (MANE Select); coding-DNA position 1825, G replaced by T.
Protein change: p.Gly609Cys; replaces glycine 609 with cysteine.
Molecular consequence: missense variant. On other transcripts: non-coding transcript variant (4).
Genome position (GRCh38, 1-based): chr11:64,804,342, C>A on the plus strand (G>T on the coding strand, the complement: MEN1 is on the minus strand). VCF-style: chr11-64804342-C-A. GRCh37 (hg19) VCF-style: chr11-64571814-C-A.
Other names: c.1840G>T, p.Gly614Cys (NM_000244.4, NM_001407145.1, NM_130800.3 and 4 more transcripts); c.1951G>T, p.Gly651Cys (NM_001370251.2, NM_001407142.1, NM_001407143.1 and 1 more transcripts); c.1825G>T, p.Gly609Cys (NM_001370260.2, NM_001370261.2, NM_001407146.1 and 2 more transcripts); c.1720G>T, p.Gly574Cys (NM_001370262.2, NM_001370263.2, NM_001407148.1 and 1 more transcripts); c.1966G>T, p.Gly656Cys (NM_001407150.1); c.1846G>T, p.Gly616Cys (NM_001407151.1); c.1660G>T, p.Gly554Cys (NM_001407152.1); short protein forms G554C, G574C, G609C, G656C, G614C, G616C, G651C.
Identifiers: ClinVar variation 5024278 (VCV005024278.1).